The following is an entry in ClinVar:

NM_007294.4(BRCA1):c.1990A>G (p.Arg664Gly)

Gene: BRCA1 (BRCA1 DNA repair associated; minus strand). Cytogenetic location: 17q21.31.
Variant type: single nucleotide variant.
Coding change: c.1990A>G on transcript NM_007294.4 (MANE Select); coding-DNA position 1990, A replaced by G.
Protein change: p.Arg664Gly; replaces arginine 664 with glycine.
Molecular consequence: missense variant. On other transcripts: intron variant (137).
Genome position (GRCh38, 1-based): chr17:43,093,541, T>C on the plus strand (A>G on the coding strand, the complement: BRCA1 is on the minus strand). VCF-style: chr17-43093541-T-C. GRCh37 (hg19) VCF-style: chr17-41245558-T-C.
Other names: c.1864A>G, p.Arg622Gly (NM_001407691.1, NM_001407649.1, NM_001407670.1 and 11 more transcripts); c.1849A>G, p.Arg617Gly (NM_001407692.1, NM_001407694.1, NM_001407695.1 and 29 more transcripts); c.1777A>G, p.Arg593Gly (NM_001407571.1, NM_001407853.1, NM_001407894.1 and 9 more transcripts); c.1990A>G, p.Arg664Gly (NM_001407581.1, NM_001407582.1, NM_001407583.1 and 30 more transcripts); c.1987A>G, p.Arg663Gly (NM_001407587.1, NM_001407590.1, NM_001407591.1 and 22 more transcripts); c.1981A>G, p.Arg661Gly (NM_001407646.1, NM_001407647.1); c.1867A>G, p.Arg623Gly (NM_001407648.1, NM_001407664.1, NM_001407665.1 and 19 more transcripts); c.1912A>G, p.Arg638Gly (NM_001407653.1, NM_001407654.1, NM_001407655.1 and 4 more transcripts); and 40 more; short protein forms R552G, R553G, R594G, R597G, R617G, R622G, R623G, R664G.
Identifiers: ClinVar variation 4623852 (VCV004623852.1).
Genomic context (GRCh38, chr17:43,093,541, plus strand): 5'-GCTTGTTACTCTTCTTGGCTCCAGTTGCAGGTTCTTTACCTTCCATGAGTTGTAGGTTTC[T>C]GCTGTGCCTGACTGGCATTTGGTTGTACTTTTTTTTCTTTATCTCTTCACTGCTAGAACA-3'
Protein context (NP_009225.1, residues 654-674): KYNQMPVRHS[Arg664Gly]NLQLMEGKEP

ClinVar aggregate classification (germline): Uncertain significance (1 of 4 stars; one submission).

Conditions:
Hereditary cancer-predisposing syndrome. Also called: Neoplastic Syndromes, Hereditary; Tumor predisposition; Hereditary Cancer Syndrome; Hereditary neoplastic syndrome. Identifiers: Orphanet 140162, MedGen C0027672, MeSH D009386, MONDO:0015356.

Submission:

Ambry Genetics
Classification: Uncertain significance for Hereditary cancer-predisposing syndrome. Last evaluated: 2025-10-28. Review status: criteria provided, single submitter. Criteria: Ambry Variant Classification Scheme 2023. Collection method: clinical testing. Allele origin: germline.
Comment: The p.R664G variant (also known as c.1990A>G), located in coding exon 9 of the BRCA1 gene, results from an A to G substitution at nucleotide position 1990. The arginine at codon 664 is replaced by glycine, an amino acid with dissimilar properties. This amino acid position is not well conserved in available vertebrate species. In addition, the in silico prediction for this alteration is inconclusive. Based on the available evidence, the clinical significance of this variant remains unclear.